The following is an entry in ClinVar:

ClinVar aggregate classification (germline): Likely benign (1 of 4 stars; one submission).

Allele frequency attached by ClinVar (database versions not stated): gnomAD 0.03729 and 0.04230; 1000 Genomes Project 0.04093; 1000 Genomes Project 30x 0.05137.
gnomAD v4.1: 2,236 of 53,380 alleles (4.2%); highest among the groups gnomAD compares: East Asian, 21%; 101 homozygotes.

Submission:

GeneDx
Classification: Likely benign. Last evaluated: 2018-06-16. Review status: criteria provided, single submitter. Criteria: GeneDx Variant Classification (06012015). Collection method: clinical testing. Allele origin: germline. Affected: yes.
Comment: This variant is considered likely benign or benign based on one or more of the following criteria: it is a conservative change, it occurs at a poorly conserved position in the protein, it is predicted to be benign by multiple in silico algorithms, and/or has population frequency not consistent with disease.

NM_001035.3(RYR2):c.6555+331C>G

Gene: RYR2 (ryanodine receptor 2; plus strand). Cytogenetic location: 1q43.
Variant type: single nucleotide variant.
Coding change: c.6555+331C>G on transcript NM_001035.3 (MANE Select); 331 bases into the intron after coding-DNA position 6555, C replaced by G.
Molecular consequence: intron variant.
Genome position (GRCh38, 1-based): chr1:237,631,872, C>G. VCF-style: chr1-237631872-C-G. GRCh37 (hg19) VCF-style: chr1-237795172-C-G.
Identifiers: ClinVar variation 671216 (VCV000671216.1), dbSNP rs532536690, ClinGen allele CA39842773.